The following is an entry in ClinVar:

NM_001355436.2(SPTB):c.4346del (p.Gly1449fs)

Gene: SPTB (spectrin beta, erythrocytic; minus strand). Cytogenetic location: 14q23.3.
Variant type: Deletion.
Coding change: c.4346del on transcript NM_001355436.2 (MANE Select); coding-DNA position 4346, one base deleted (G; older notation c.4346delG).
Protein change: p.Gly1449fs; shifts the reading frame from glycine 1449.
Molecular consequence: frameshift variant.
Genome position (GRCh38, 1-based): chr14:64,779,852, C deleted on the plus strand (G on the coding strand, the reverse complement: SPTB is on the minus strand); the first of 3 consecutive C bases (chr14:64,779,852-64,779,854); deleting any one gives the same sequence. VCF-style (leftmost placement, unchanged base first): chr14-64779851-TC-T. GRCh37 (hg19) VCF-style: chr14-65246569-TC-T.
Other names: c.4346del, p.Gly1449fs (NM_001024858.4, NM_001355437.2); short protein forms G1449fs.
Identifiers: ClinVar variation 1705962 (VCV001705962.4), dbSNP rs2503091365, ClinGen allele CA2580088510.

ClinVar aggregate classification (germline): Likely pathogenic (1 of 4 stars; one submission).

Submission:

Mayo Clinic Laboratories, Mayo Clinic
Classification: Likely pathogenic. Last evaluated: 2021-12-30. Review status: criteria provided, single submitter. Criteria: ACMG Guidelines, 2015. Collection method: clinical testing. Allele origin: germline.
Comment: PM2, PVS1

Literature cited by the submitters: PubMed 30192042; PubMed 26830532; PubMed 31122244; PubMed 32266426.